The following is an entry in ClinVar:

NM_031220.4(PITPNM3):c.500C>A (p.Ala167Asp)

Gene: PITPNM3 (PITPNM family member 3; minus strand). Cytogenetic location: 17p13.2.
Variant type: single nucleotide variant.
Coding change: c.500C>A on transcript NM_031220.4 (MANE Select); coding-DNA position 500, C replaced by A.
Protein change: p.Ala167Asp; replaces alanine 167 with aspartic acid.
Molecular consequence: missense variant.
Genome position (GRCh38, 1-based): chr17:6,483,604, G>T on the plus strand (C>A on the coding strand, the complement: PITPNM3 is on the minus strand). VCF-style: chr17-6483604-G-T. GRCh37 (hg19) VCF-style: chr17-6386924-G-T.
Other names: c.392C>A, p.Ala131Asp (NM_001165966.2); short protein forms A131D, A167D.
Identifiers: ClinVar variation 2126031 (VCV002126031.5), dbSNP rs200248038, ClinGen allele CA8329812.

ClinVar aggregate classification (germline): Conflicting classifications of pathogenicity. Review status: criteria provided, conflicting classifications (1 of 4 stars). 2 submissions from 2 submitters: Uncertain significance (1); Likely benign (1). Last evaluated 2025-02-15.

Allele frequency attached by ClinVar (database versions not stated): gnomAD 0.00001; TOPMed 0.00001; ExAC 0.00007.
gnomAD v4.1: 25 of 1,614,008 alleles (0.0015%); highest among the groups gnomAD compares: Non-Finnish European, 0.002%; no homozygotes.

Submissions (2):

Labcorp Genetics (formerly Invitae), Labcorp
Classification: Uncertain significance. Last evaluated: 2025-02-15. Review status: criteria provided, single submitter. Criteria: Invitae Variant Classification Sherloc (09022015). Collection method: clinical testing. Allele origin: germline.
Comment: This sequence change replaces alanine, which is neutral and non-polar, with aspartic acid, which is acidic and polar, at codon 167 of the PITPNM3 protein (p.Ala167Asp). This variant is present in population databases (rs200248038, gnomAD 0.009%). This variant has not been reported in the literature in individuals affected with PITPNM3-related conditions. ClinVar contains an entry for this variant (Variation ID: 2126031). Invitae Evidence Modeling of protein sequence and biophysical properties (such as structural, functional, and spatial information, amino acid conservation, physicochemical variation, residue mobility, and thermodynamic stability) indicates that this missense variant is not expected to disrupt PITPNM3 protein function with a negative predictive value of 80%. In summary, the available evidence is currently insufficient to determine the role of this variant in disease. Therefore, it has been classified as a Variant of Uncertain Significance.

Blueprint Genetics
Classification: Likely benign. Last evaluated: 2022-08-12. Review status: criteria provided, single submitter. Criteria: ACMG Guidelines, 2015. Collection method: clinical testing. Allele origin: germline.